The following is an entry in ClinVar:

ClinVar aggregate classification (germline): Uncertain significance (1 of 4 stars; one submission).

Conditions:
Infantile-onset generalized dyskinesia with orofacial involvement. Also called: Dyskinesia, limb and orofacial, infantile-onset. Identifiers: Orphanet 494526, MedGen C5567464, MONDO:0044637, OMIM 616921.

Submission:

Neuberg Centre For Genomic Medicine, NCGM
Classification: Uncertain significance for Infantile-onset generalized dyskinesia with orofacial involvement. Last evaluated: 2024-02-01. Review status: criteria provided, single submitter. Criteria: ACMG Guidelines, 2015. Collection method: clinical testing. Allele origin: germline. Inheritance: Autosomal recessive inheritance. Affected: yes.
Comment: The observed splice acceptor variant c.2455-2A>G variant in PDE10A gene has not been reported previously as a pathogenic variant nor as a benign variant, to our knowledge. This variant is absent in gnomAD Exomes. This variant has not been reported to the ClinVar database. The variant affects AG acceptor splice site in the 3' end of intron 16. The spliceAI tool predicts that this splice site variant is damaging. However Loss of function is not established disease causing mechanism. For these reasons, this variant has been classified as Uncertained significance..

NM_001385079.1(PDE10A):c.2455-2A>G

Gene: PDE10A (phosphodiesterase 10A; minus strand). Cytogenetic location: 6q27.
Variant type: single nucleotide variant.
Coding change: c.2455-2A>G on transcript NM_001385079.1 (MANE Select); the canonical splice acceptor site of the intron before coding-DNA position 2455, A replaced by G.
Molecular consequence: splice acceptor variant.
Genome position (GRCh38, 1-based): chr6:165,388,455, T>C on the plus strand (A>G on the coding strand, the complement: PDE10A is on the minus strand). VCF-style: chr6-165388455-T-C. GRCh37 (hg19) VCF-style: chr6-165801944-T-C.
Other names: c.1657-2A>G (NM_001130690.3); c.1627-2A>G (NM_006661.4).
Identifiers: ClinVar variation 3895500 (VCV003895500.1).